The following is an entry in ClinVar:

NM_001384140.1(PCDH15):c.3788del (p.Lys1263fs)

Gene: PCDH15 (protocadherin related 15; minus strand). Cytogenetic location: 10q21.1.
Variant type: Deletion.
Coding change: c.3788del on transcript NM_001384140.1 (MANE Select); coding-DNA position 3788, one base deleted (A; older notation c.3788delA).
Protein change: p.Lys1263fs; shifts the reading frame from lysine 1263.
Molecular consequence: frameshift variant.
Genome position (GRCh38, 1-based): chr10:53,857,193, T deleted on the plus strand (A on the coding strand, the reverse complement: PCDH15 is on the minus strand); the first of 7 consecutive T bases (chr10:53,857,193-53,857,199); deleting any one gives the same sequence. VCF-style (leftmost placement, unchanged base first): chr10-53857192-CT-C. GRCh37 (hg19) VCF-style: chr10-55616952-CT-C.
Other names: c.3803del, p.Lys1268fs (NM_001142763.2, NM_001142771.2); c.3788del, p.Lys1263fs (NM_001142764.2, NM_001142766.2, NM_001142770.3 and 4 more transcripts); c.3575del, p.Lys1192fs (NM_001142765.2); c.3677del, p.Lys1226fs (NM_001142767.2); c.3722del, p.Lys1241fs (NM_001142768.2, NM_001142773.2, NM_001354404.2); c.3818delA, p.Lys1275Argfs (NM_001142769.4); c.3809del, p.Lys1270fs (NM_001354411.2); short protein forms K1192fs, K1226fs, K1241fs, K1263fs, K1268fs, K1270fs, K1275fs.
Identifiers: ClinVar variation 1726856 (VCV001726856.2), dbSNP rs2493175179, ClinGen allele CA645546269.

ClinVar aggregate classification (germline): Likely pathogenic (1 of 4 stars; one submission).

Conditions:
Usher syndrome type 1D (USH1D). Also called: USHER SYNDROME, TYPE ID. Identifiers: Orphanet 231169, Orphanet 886, MedGen C1832845, MONDO:0010984, OMIM 601067.

Submission:

Myriad Genetics, Inc.
Classification: Likely pathogenic for Usher syndrome type 1D. Last evaluated: 2022-01-02. Review status: criteria provided, single submitter. Criteria: Myriad Women's Health Autosomal Recessive and X-Linked Classification Criteria (2021). Collection method: clinical testing. Allele origin: unknown.
Comment: NM_033056.3(PCDH15):c.3788delA(K1263Rfs*2) is expected to be pathogenic in the context of PCDH15-related disorders. This variant is predicted to lead to an abnormal or absent protein product due to the creation of a premature termination codon in PCDH15, a gene where loss-of-function variants are known to be pathogenic. Please note: this variant was assessed in the context of healthy population screening.